The following is an entry in ClinVar:

ClinVar aggregate classification (germline): Uncertain significance (1 of 4 stars; one submission).

Submission:

GeneDx
Classification: Uncertain significance. Last evaluated: 2019-08-10. Review status: criteria provided, single submitter. Criteria: GeneDx Variant Classification Process June 2021. Collection method: clinical testing. Allele origin: germline. Affected: yes.
Comment: Not observed in large population cohorts (Lek et al., 2016); In silico analysis, which includes protein predictors and evolutionary conservation, supports a deleterious effect; Has not been previously published as pathogenic or benign to our knowledge

NM_017635.5(KMT5B):c.270T>A (p.Asp90Glu)

Gene: KMT5B (lysine methyltransferase 5B; minus strand). Cytogenetic location: 11q13.2.
Variant type: single nucleotide variant.
Coding change: c.270T>A on transcript NM_017635.5 (MANE Select); coding-DNA position 270, T replaced by A.
Protein change: p.Asp90Glu; replaces aspartic acid 90 with glutamic acid.
Molecular consequence: missense variant. On other transcripts: 5 prime UTR variant (8), non-coding transcript variant (3), intron variant (1).
Genome position (GRCh38, 1-based): chr11:68,185,819, A>T on the plus strand (T>A on the coding strand, the complement: KMT5B is on the minus strand). VCF-style: chr11-68185819-A-T. GRCh37 (hg19) VCF-style: chr11-67953286-A-T.
Other names: c.-315T>A (NM_001300907.1); c.-398T>A (NM_001300908.2); c.270T>A, p.Asp90Glu (NM_001300909.2, NM_001363566.2, NM_001369426.1 and 2 more transcripts); c.-394T>A (NM_001369424.1, NM_001369431.1, NM_001369432.1); c.57T>A, p.Asp19Glu (NM_001369425.1); c.-608T>A (NM_001369428.1); c.-325T>A (NM_001369430.1); c.-909T>A (NM_001369433.1); and 1 more; short protein forms D19E, D90E.
Identifiers: ClinVar variation 1307211 (VCV001307211.2), dbSNP rs1157664458, ClinGen allele CA381609420.